The following is an entry in ClinVar:

ClinVar aggregate classification (germline): Conflicting classifications of pathogenicity. Review status: criteria provided, conflicting classifications (1 of 4 stars). 8 submissions from 8 submitters: Uncertain significance (7); Benign (1). Last evaluated 2026-02-03.

Conditions:
TMEM43-related disorder. Also called: TMEM43-related condition.
Cardiovascular phenotype. Identifiers: MedGen CN230736.
Cardiomyopathy (CMYO). Also called: Cardiomyopathies. Identifiers: Orphanet 167848, MedGen C0878544, MONDO:0004994, HP:0001638. Inheritance: Various modes of inheritance.
Arrhythmogenic right ventricular dysplasia 5. Also called: Arrhythmogenic Right Ventricular Dysplasia/Cardiomyopathy 5; ARRHYTHMOGENIC RIGHT VENTRICULAR DYSPLASIA, FAMILIAL, 5. Identifiers: MedGen C1858379, MONDO:0011459, OMIM 604400.

Allele frequency attached by ClinVar (database versions not stated): gnomAD exomes 0.00002 and 0.00005; gnomAD 0.00003 and 0.00005; ExAC 0.00004; 1000 Genomes Project 0.00060; 1000 Genomes Project 30x 0.00062.
gnomAD v4.1: 34 of 1,614,170 alleles (0.0021%); highest among the groups gnomAD compares: Admixed American, 0.018%; no homozygotes.

Submissions (8):

PreventionGenetics, part of Exact Sciences
Classification: Uncertain significance for TMEM43-related condition. Last evaluated: 2026-02-03. Review status: criteria provided, single submitter. Criteria: ACMG Guidelines, 2015. Collection method: clinical testing. Allele origin: germline.
Comment: The TMEM43 c.661C>T variant is predicted to result in the amino acid substitution p.Arg221Cys. To our knowledge, this variant has not been reported in the literature. This variant is reported in 0.023% of alleles in individuals of Latino descent in gnomAD. Although we suspect that this variant may be benign, at this time, the clinical significance of this variant is uncertain due to the absence of conclusive functional and genetic evidence.

Labcorp Genetics (formerly Invitae), Labcorp
Classification: Uncertain significance for Arrhythmogenic right ventricular dysplasia 5. Last evaluated: 2025-01-12. Review status: criteria provided, single submitter. Criteria: Invitae Variant Classification Sherloc (09022015). Collection method: clinical testing. Allele origin: germline.
Comment: This sequence change replaces arginine, which is basic and polar, with cysteine, which is neutral and slightly polar, at codon 221 of the TMEM43 protein (p.Arg221Cys). This variant is present in population databases (rs182464375, gnomAD 0.02%). This variant has not been reported in the literature in individuals affected with TMEM43-related conditions. ClinVar contains an entry for this variant (Variation ID: 202118). Invitae Evidence Modeling of protein sequence and biophysical properties (such as structural, functional, and spatial information, amino acid conservation, physicochemical variation, residue mobility, and thermodynamic stability) indicates that this missense variant is not expected to disrupt TMEM43 protein function with a negative predictive value of 80%. In summary, the available evidence is currently insufficient to determine the role of this variant in disease. Therefore, it has been classified as a Variant of Uncertain Significance.

All of Us Research Program, National Institutes of Health
Classification: Uncertain significance for Arrhythmogenic right ventricular dysplasia 5. Last evaluated: 2024-09-23. Review status: criteria provided, single submitter. Criteria: ACMG Guidelines, 2015. Collection method: clinical testing. Allele origin: germline. Inheritance: Autosomal dominant inheritance. Observed: 28 variant alleles, 28 heterozygotes.
Comment: This missense variant replaces arginine with cysteine at codon 221 of the TMEM43 protein. Computational prediction suggests that this variant may not impact protein structure and function (internally defined REVEL score threshold <= 0.5, PMID: 27666373). To our knowledge, functional studies have not been reported for this variant. This variant has not been reported in individuals affected with cardiovascular disorders in the literature. This variant has been identified in 13/282668 chromosomes in the general population by the Genome Aggregation Database (gnomAD). The available evidence is insufficient to determine the role of this variant in disease conclusively. Therefore, this variant is classified as a Variant of Uncertain Significance.

This study involves interpretation of variants in research participants for the purpose of population health screening. Participant phenotype was not available at the time of variant classification. Additional details can be found in publication PMID: 35346344, PMCID: PMC8962531

Ambry Genetics
Classification: Benign for Cardiovascular phenotype. Last evaluated: 2024-04-19. Review status: criteria provided, single submitter. Criteria: Ambry Variant Classification Scheme 2023. Collection method: clinical testing. Allele origin: germline.

Color Diagnostics, LLC DBA Color Health
Classification: Uncertain significance for Cardiomyopathy. Last evaluated: 2024-03-06. Review status: criteria provided, single submitter. Criteria: ACMG Guidelines, 2015. Collection method: clinical testing. Allele origin: germline.
Comment: This missense variant replaces arginine with cysteine at codon 221 of the TMEM43 protein. Computational prediction suggests that this variant may not impact protein structure and function (internally defined REVEL score threshold <= 0.5, PMID: 27666373). To our knowledge, functional studies have not been reported for this variant. This variant has not been reported in individuals affected with cardiovascular disorders in the literature. This variant has been identified in 13/282668 chromosomes in the general population by the Genome Aggregation Database (gnomAD). The available evidence is insufficient to determine the role of this variant in disease conclusively. Therefore, this variant is classified as a Variant of Uncertain Significance.

GeneDx
Classification: Uncertain significance. Last evaluated: 2023-11-15. Review status: criteria provided, single submitter. Criteria: GeneDx Variant Classification Process June 2021. Collection method: clinical testing. Allele origin: germline. Affected: yes.
Comment: In silico analysis supports that this missense variant does not alter protein structure/function; Has not been previously published as pathogenic or benign to our knowledge

Mayo Clinic Laboratories, Mayo Clinic
Classification: Uncertain significance. Last evaluated: 2021-03-10. Review status: criteria provided, single submitter. Criteria: ACMG Guidelines, 2015. Collection method: clinical testing. Allele origin: germline. Observed: 1 variant allele.

CHEO Genetics Diagnostic Laboratory, Children's Hospital of Eastern Ontario
Classification: Uncertain significance for Cardiomyopathy. Last evaluated: 2019-12-18. Review status: criteria provided, single submitter. Criteria: ACMG Guidelines, 2015. Collection method: clinical testing. Allele origin: germline.

NM_024334.3(TMEM43):c.661C>T (p.Arg221Cys)

Gene: TMEM43 (transmembrane protein 43; plus strand). Cytogenetic location: 3p25.1.
Variant type: single nucleotide variant.
Coding change: c.661C>T on transcript NM_024334.3 (MANE Select); coding-DNA position 661, C replaced by T.
Protein change: p.Arg221Cys; replaces arginine 221 with cysteine.
Molecular consequence: missense variant.
Genome position (GRCh38, 1-based): chr3:14,134,847, C>T. VCF-style: chr3-14134847-C-T. GRCh37 (hg19) VCF-style: chr3-14176347-C-T.
Other names: p.R221C:CGT>TGT; short protein forms R221C.
Identifiers: ClinVar variation 202118 (VCV000202118.23), dbSNP rs182464375, ClinGen allele CA024739.